The following is an entry in ClinVar:

NC_000023.11:g.(?_134473339)_(134500097_?)del

Gene: HPRT1 (hypoxanthine phosphoribosyltransferase 1; plus strand). Cytogenetic location: Xq26.2-26.3.
Variant type: Deletion.
Identifiers: ClinVar variation 643153 (VCV000643153.10).

ClinVar aggregate classification (germline): Pathogenic (1 of 4 stars; one submission).

Conditions:
Lesch-Nyhan syndrome (LNS). Also called: HPRT DEFICIENCY, COMPLETE; Lesch-Nyhan Disease (LND). Identifiers: Orphanet 510, MedGen C0023374, MONDO:0010298, OMIM 300322.
Partial hypoxanthine-guanine phosphoribosyltransferase deficiency. Also called: HPRT1 DEFICIENCY, PARTIAL; GOUT, HPRT-RELATED; HPRT DEFICIENCY, PARTIAL; HYPOXANTHINE GUANINE PHOSPHORIBOSYLTRANSFERASE 1 DEFICIENCY, PARTIAL; Kelley-Seegmiller Syndrome. Identifiers: Orphanet 79233, MedGen C0268117, MONDO:0010299, OMIM 300323.

Submission:

Labcorp Genetics (formerly Invitae), Labcorp
Classification: Pathogenic for Lesch-Nyhan syndrome; Partial hypoxanthine-guanine phosphoribosyltransferase deficiency. Last evaluated: 2019-01-28. Review status: criteria provided, single submitter. Criteria: Invitae Variant Classification Sherloc (09022015). Collection method: clinical testing. Allele origin: germline.
Comment: For these reasons, this variant has been classified as Pathogenic. Sub-genic deletion of exons 2-3 has been determined to be pathogenic (PMID:¬†11018746). Therefore, deletions that fully encompass that region are also expected to be pathogenic. A similar deletion of exons 2-9 has been observed in an individual affected with Lesch‚ÄìNyhan syndrome (PMID:¬†11018746). This variant is a gross deletion of the genomic region encompassing exons 2-9 of the HPRT1 gene. The 5' boundary is likely confined to intron 1. The 3' end of this event is unknown as it extends through the termination codon beyond the assayed region for this gene and may encompass additional genes. While this deletion is not anticipated to result in nonsense mediated decay, it is expected to create a truncated protein product or disrupt mRNA translation.